The following is an entry in ClinVar:

NM_006648.4(WNK2):c.4643C>T (p.Thr1548Ile)

Gene: WNK2 (WNK lysine deficient protein kinase 2; plus strand). Cytogenetic location: 9q22.31.
Variant type: single nucleotide variant.
Coding change: c.4643C>T on transcript NM_006648.4 (MANE Select); coding-DNA position 4643, C replaced by T.
Protein change: p.Thr1548Ile; replaces threonine 1548 with isoleucine.
Molecular consequence: missense variant.
Genome position (GRCh38, 1-based): chr9:93,289,397, C>T. VCF-style: chr9-93289397-C-T. GRCh37 (hg19) VCF-style: chr9-96051679-C-T.
Other names: c.4754C>T, p.Thr1585Ile (NM_001282394.3); short protein forms T1548I, T1585I.
Identifiers: ClinVar variation 4605263 (VCV004605263.1).

ClinVar aggregate classification (germline): Uncertain significance (1 of 4 stars; one submission).

Submission:

Ambry Genetics
Classification: Uncertain significance. Last evaluated: 2025-10-15. Review status: criteria provided, single submitter. Criteria: Ambry Variant Classification Scheme 2023. Collection method: clinical testing. Allele origin: germline.
Comment: The p.T1548I variant (also known as c.4643C>T), located in coding exon 19 of the WNK2 gene, results from a C to T substitution at nucleotide position 4643. The threonine at codon 1548 is replaced by isoleucine, an amino acid with similar properties. This amino acid position is conserved. In addition, the in silico prediction for this alteration is inconclusive. Based on the available evidence, the clinical significance of this variant remains unclear.